The following is an entry in ClinVar:

ClinVar aggregate classification (germline): Uncertain significance (1 of 4 stars; one submission).

Conditions:
Hereditary cancer-predisposing syndrome. Also called: Tumor predisposition; Neoplastic Syndromes, Hereditary; Hereditary Cancer Syndrome; Hereditary neoplastic syndrome. Identifiers: Orphanet 140162, MedGen C0027672, MeSH D009386, MONDO:0015356.

Submission:

Ambry Genetics
Classification: Uncertain significance for Hereditary cancer-predisposing syndrome. Last evaluated: 2025-02-12. Review status: criteria provided, single submitter. Criteria: Ambry Variant Classification Scheme 2023. Collection method: clinical testing. Allele origin: germline.
Comment: The p.R1171S variant (also known as c.3511C>A), located in coding exon 15 of the APC gene, results from a C to A substitution at nucleotide position 3511. The arginine at codon 1171 is replaced by serine, an amino acid with dissimilar properties. This amino acid position is poorly conserved in available vertebrate species. In addition, in silico predictors for this gene do not accurately predict pathogenicity. Missense alterations in APC are not a common cause of disease (Spier I et al. Genet Med. 2024 Feb;26(2):100992). Based on the available evidence, the clinical significance of this variant remains unclear.

NM_000038.6(APC):c.3511C>A (p.Arg1171Ser)

Gene: APC (APC regulator of Wnt signaling pathway; plus strand). Cytogenetic location: 5q22.2.
Variant type: single nucleotide variant.
Coding change: c.3511C>A on transcript NM_000038.6 (MANE Select); coding-DNA position 3511, C replaced by A.
Protein change: p.Arg1171Ser; replaces arginine 1171 with serine.
Molecular consequence: missense variant. On other transcripts: non-coding transcript variant (2).
Genome position (GRCh38, 1-based): chr5:112,839,105, C>A. VCF-style: chr5-112839105-C-A. GRCh37 (hg19) VCF-style: chr5-112174802-C-A.
Other names: c.3511C>A, p.Arg1171Ser (NM_001127510.3, NM_001354895.2, NM_001407450.1); c.3457C>A, p.Arg1153Ser (NM_001127511.3); c.3565C>A, p.Arg1189Ser (NM_001354896.2, NM_001407447.1, NM_001407448.1 and 1 more transcripts); c.3541C>A, p.Arg1181Ser (NM_001354897.2); c.3436C>A, p.Arg1146Ser (NM_001354898.2); c.3427C>A, p.Arg1143Ser (NM_001354899.2); c.3388C>A, p.Arg1130Ser (NM_001354900.2); c.3334C>A, p.Arg1112Ser (NM_001354901.2, NM_001407453.1); and 11 more; short protein forms R1042S, R1143S, R1153S, R1171S, R787S, R888S, R1112S, R1181S.
Identifiers: ClinVar variation 3882176 (VCV003882176.1).